The following is an entry in ClinVar:

NM_001042545.2(LTBP4):c.2959C>T (p.Arg987Trp)

Gene: LTBP4 (latent transforming growth factor beta binding protein 4; plus strand). Cytogenetic location: 19q13.2.
Variant type: single nucleotide variant.
Coding change: c.2959C>T on transcript NM_001042545.2 (MANE Select); coding-DNA position 2959, C replaced by T.
Protein change: p.Arg987Trp; replaces arginine 987 with tryptophan.
Molecular consequence: missense variant.
Genome position (GRCh38, 1-based): chr19:40,617,114, C>T. VCF-style: chr19-40617114-C-T. GRCh37 (hg19) VCF-style: chr19-41123020-C-T.
Other names: c.3160C>T, p.Arg1054Trp (NM_001042544.1); c.3049C>T, p.Arg1017Trp (NM_003573.2); short protein forms R1054W, R1017W, R987W.
Identifiers: ClinVar variation 1473810 (VCV001473810.6), dbSNP rs756632720, ClinGen allele CA9448857.

ClinVar aggregate classification (germline): Uncertain significance. Review status: criteria provided, multiple submitters, no conflicts (2 of 4 stars). 3 submissions from 3 submitters: Uncertain significance (3). Last evaluated 2026-01-09.

Conditions:
Inborn genetic diseases. Identifiers: MedGen C0950123, MeSH D030342.

Allele frequency attached by ClinVar (database versions not stated): gnomAD exomes below 0.00001 and 0.00002; ExAC 0.00001; gnomAD 0.00001; TOPMed 0.00002.
gnomAD v4.1: 24 of 1,613,864 alleles (0.0015%); highest among the groups gnomAD compares: East Asian, 0.0067%; no homozygotes.

Submissions (3):

Ambry Genetics
Classification: Uncertain significance for Inborn genetic diseases. Last evaluated: 2026-01-09. Review status: criteria provided, single submitter. Criteria: Ambry Variant Classification Scheme 2023. Collection method: clinical testing. Allele origin: germline.

GeneDx
Classification: Uncertain significance. Last evaluated: 2023-11-13. Review status: criteria provided, single submitter. Criteria: GeneDx Variant Classification Process June 2021. Collection method: clinical testing. Allele origin: germline. Affected: yes.
Comment: Not observed at significant frequency in large population cohorts (gnomAD); In silico analysis supports that this missense variant has a deleterious effect on protein structure/function; Has not been previously published as pathogenic or benign to our knowledge

Labcorp Genetics (formerly Invitae), Labcorp
Classification: Uncertain significance. Last evaluated: 2021-06-10. Review status: criteria provided, single submitter. Criteria: Invitae Variant Classification Sherloc (09022015). Collection method: clinical testing. Allele origin: germline.
Comment: In summary, the available evidence is currently insufficient to determine the role of this variant in disease. Therefore, it has been classified as a Variant of Uncertain Significance. Experimental studies and prediction algorithms are not available or were not evaluated, and the functional significance of this variant is currently unknown. This variant has not been reported in the literature in individuals with LTBP4-related conditions. This variant is present in population databases (rs756632720, ExAC 0.002%). This sequence change replaces arginine with tryptophan at codon 1017 of the LTBP4 protein (p.Arg1017Trp). The arginine residue is highly conserved and there is a moderate physicochemical difference between arginine and tryptophan.